The following is an entry in ClinVar:

NM_000092.5(COL4A4):c.841G>T (p.Val281Phe)

Gene: COL4A4 (collagen type IV alpha 4 chain; minus strand). Cytogenetic location: 2q36.3.
Variant type: single nucleotide variant.
Coding change: c.841G>T on transcript NM_000092.5 (MANE Select); coding-DNA position 841, G replaced by T.
Protein change: p.Val281Phe; replaces valine 281 with phenylalanine.
Molecular consequence: missense variant.
Genome position (GRCh38, 1-based): chr2:227,103,173, C>A on the plus strand (G>T on the coding strand, the complement: COL4A4 is on the minus strand). VCF-style: chr2-227103173-C-A. GRCh37 (hg19) VCF-style: chr2-227967889-C-A.
Other names: short protein forms V281F.
Identifiers: ClinVar variation 2098020 (VCV002098020.5), dbSNP rs915837167, ClinGen allele CA66562027.

ClinVar aggregate classification (germline): Uncertain significance. Review status: criteria provided, multiple submitters, no conflicts (2 of 4 stars). 2 submissions from 2 submitters: Uncertain significance (2). Last evaluated 2025-06-12.

Conditions:
Inborn genetic diseases. Identifiers: MedGen C0950123, MeSH D030342.

Allele frequency attached by ClinVar (database versions not stated): gnomAD 0.00001.
gnomAD v4.1: 5 of 1,612,718 alleles (0.00031%); highest among the groups gnomAD compares: African/African-American, 0.0054%; no homozygotes.

Submissions (2):

Labcorp Genetics (formerly Invitae), Labcorp
Classification: Uncertain significance. Last evaluated: 2025-06-12. Review status: criteria provided, single submitter. Criteria: Invitae Variant Classification Sherloc (09022015). Collection method: clinical testing. Allele origin: germline.
Comment: This sequence change replaces valine, which is neutral and non-polar, with phenylalanine, which is neutral and non-polar, at codon 281 of the COL4A4 protein (p.Val281Phe). This variant is not present in population databases (gnomAD no frequency). This variant has not been reported in the literature in individuals affected with COL4A4-related conditions. ClinVar contains an entry for this variant (Variation ID: 2098020). Invitae Evidence Modeling of protein sequence and biophysical properties (such as structural, functional, and spatial information, amino acid conservation, physicochemical variation, residue mobility, and thermodynamic stability) indicates that this missense variant is not expected to disrupt COL4A4 protein function with a negative predictive value of 95%. In summary, the available evidence is currently insufficient to determine the role of this variant in disease. Therefore, it has been classified as a Variant of Uncertain Significance.

Ambry Genetics
Classification: Uncertain significance for Inborn genetic diseases. Last evaluated: 2024-05-16. Review status: criteria provided, single submitter. Criteria: Ambry Variant Classification Scheme 2023. Collection method: clinical testing. Allele origin: germline.